The following is an entry in ClinVar:

NM_000435.3(NOTCH3):c.4997G>T (p.Arg1666Leu)

Gene: NOTCH3 (notch receptor 3; minus strand). Cytogenetic location: 19p13.12.
Variant type: single nucleotide variant.
Coding change: c.4997G>T on transcript NM_000435.3 (MANE Select); coding-DNA position 4997, G replaced by T.
Protein change: p.Arg1666Leu; replaces arginine 1666 with leucine.
Molecular consequence: missense variant.
Genome position (GRCh38, 1-based): chr19:15,170,448, C>A on the plus strand (G>T on the coding strand, the complement: NOTCH3 is on the minus strand). VCF-style: chr19-15170448-C-A. GRCh37 (hg19) VCF-style: chr19-15281259-C-A.
Other names: short protein forms R1666L.
Identifiers: ClinVar variation 4682178 (VCV004682178.2).

ClinVar aggregate classification (germline): Uncertain significance. Review status: criteria provided, multiple submitters, no conflicts (2 of 4 stars). 2 submissions from 2 submitters: Uncertain significance (2). Last evaluated 2025-01-27.

Submissions (2):

Athena Diagnostics
Classification: Uncertain significance. Last evaluated: 2025-01-27. Review status: criteria provided, single submitter. Criteria: Athena Diagnostics Criteria. Collection method: clinical testing. Allele origin: unknown.
Comment: Available data are insufficient to determine the clinical significance of the variant at this time. This variant has not been reported in large, multi-ethnic general populations. Polyphen and MutationTaster predict this amino acid change may be damaging to the protein.

Blueprint Genetics
Classification: Uncertain significance. Last evaluated: 2020-03-12. Review status: criteria provided, single submitter. Criteria: ACMG Guidelines, 2015. Collection method: clinical testing. Allele origin: germline.